The following is an entry in ClinVar:

NM_014491.4(FOXP2):c.361del (p.Leu121fs)

Gene: FOXP2 (forkhead box P2; plus strand). Cytogenetic location: 7q31.1.
Variant type: Deletion.
Coding change: c.361del on transcript NM_014491.4 (MANE Select); coding-DNA position 361, one base deleted (C; older notation c.361delC).
Protein change: p.Leu121fs; shifts the reading frame from leucine 121.
Molecular consequence: frameshift variant. On other transcripts: non-coding transcript variant (2).
Genome position (GRCh38, 1-based): chr7:114,628,642, C deleted; the last of 3 consecutive C bases (chr7:114,628,640-114,628,642); deleting any one gives the same sequence. VCF-style (leftmost placement, unchanged base first): chr7-114628639-GC-G. GRCh37 (hg19) VCF-style: chr7-114268694-GC-G.
Other names: c.361del, p.Leu121fs (NM_001172766.3, NM_148899.3, NM_148900.4); c.436del, p.Leu146fs (NM_001172767.2, NM_148898.4); short protein forms L121fs, L146fs.
Identifiers: ClinVar variation 5038212 (VCV005038212.1).

ClinVar aggregate classification (germline): Pathogenic (1 of 4 stars; one submission).

Conditions:
Childhood apraxia of speech (SPCH1). Also called: FOXP2-Related Speech and Language Disorder; SPEECH AND LANGUAGE DISORDER WITH OROFACIAL DYSPRAXIA; DEVELOPMENTAL VERBAL DYSPRAXIA; Speech language disorder. Identifiers: Orphanet 209908, MedGen C0750927, MONDO:0011184, OMIM 602081.

Submission:

MVZ Medizinische Genetik Mainz
Classification: Pathogenic for Childhood apraxia of speech. Last evaluated: 2026-01-13. Review status: criteria provided, single submitter. Criteria: UK Practice Guidelines For Variant Classification V4 01 2020. Collection method: clinical testing. Allele origin: germline. Inheritance: Autosomal dominant inheritance. Affected: yes. Observed: 1 variant allele.
Comment: ACMG Criteria: PVS1,PS2_MOD,PM2_SUP